The following is an entry in ClinVar:

NM_001286577.2(C2CD3):c.5371T>C (p.Tyr1791His)

Gene: C2CD3 (C2 domain containing 3 centriole elongation regulator; minus strand). Cytogenetic location: 11q13.4.
Variant type: single nucleotide variant.
Coding change: c.5371T>C on transcript NM_001286577.2 (MANE Select); coding-DNA position 5371, T replaced by C.
Protein change: p.Tyr1791His; replaces tyrosine 1791 with histidine.
Molecular consequence: missense variant.
Genome position (GRCh38, 1-based): chr11:74,048,329, A>G on the plus strand (T>C on the coding strand, the complement: C2CD3 is on the minus strand). VCF-style: chr11-74048329-A-G. GRCh37 (hg19) VCF-style: chr11-73759374-A-G.
Other names: c.5371T>C, p.Tyr1791His (NM_015531.6); short protein forms Y1791H.
Identifiers: ClinVar variation 2662305 (VCV002662305.1), dbSNP rs199641448, ClinGen allele CA224513115.

ClinVar aggregate classification (germline): Uncertain significance (1 of 4 stars; one submission).

Allele frequency attached by ClinVar (database versions not stated): gnomAD exomes below 0.00001; gnomAD 0.00001; 1000 Genomes Project 30x 0.00016; 1000 Genomes Project 0.00020.
gnomAD v4.1: 5 of 1,613,664 alleles (0.00031%); highest among the groups gnomAD compares: African/African-American, 0.0027%; no homozygotes.

Submission:

GeneDx
Classification: Uncertain significance. Last evaluated: 2023-05-16. Review status: criteria provided, single submitter. Criteria: GeneDx Variant Classification Process June 2021. Collection method: clinical testing. Allele origin: germline. Affected: yes.
Comment: In silico analysis supports that this missense variant does not alter protein structure/function; Has not been previously published as pathogenic or benign to our knowledge